The following is an entry in ClinVar:

NM_032119.4(ADGRV1):c.16518G>A (p.Leu5506=)

Gene: ADGRV1 (adhesion G protein-coupled receptor V1; plus strand). Cytogenetic location: 5q14.3.
Variant type: single nucleotide variant.
Coding change: c.16518G>A on transcript NM_032119.4 (MANE Select); coding-DNA position 16518, G replaced by A.
Protein change: p.Leu5506=; no amino-acid change (leucine 5506 retained).
Molecular consequence: synonymous variant. On other transcripts: non-coding transcript variant (1).
Genome position (GRCh38, 1-based): chr5:90,829,093, G>A. VCF-style: chr5-90829093-G-A. GRCh37 (hg19) VCF-style: chr5-90124910-G-A.
Identifiers: ClinVar variation 3029957 (VCV003029957.2), dbSNP rs1764309294, ClinGen allele CA445711563.

ClinVar aggregate classification (germline): Likely benign (0 of 4 stars; one submission).

Conditions:
ADGRV1-related disorder. Also called: ADGRV1-related condition; ADGRV1-related disorders.

Allele frequency attached by ClinVar (database versions not stated): gnomAD exomes below 0.00001; TOPMed below 0.00001; gnomAD 0.00001.
gnomAD v4.1: 2 of 1,612,228 alleles (0.00012%); highest among the groups gnomAD compares: Admixed American, 0.0017%; no homozygotes.

Submission:

PreventionGenetics, part of Exact Sciences
Classification: Likely benign for ADGRV1-related condition. Last evaluated: 2021-01-11. Review status: no assertion criteria provided. Collection method: clinical testing. Allele origin: germline.
Comment: This variant is classified as likely benign based on ACMG/AMP sequence variant interpretation guidelines (Richards et al. 2015 PMID: 25741868, with internal and published modifications).